The following is an entry in ClinVar:

NM_000094.4(COL7A1):c.910C>T (p.Gln304Ter)

Gene: COL7A1 (collagen type VII alpha 1 chain; minus strand). Cytogenetic location: 3p21.31.
Variant type: single nucleotide variant.
Coding change: c.910C>T on transcript NM_000094.4 (MANE Select); coding-DNA position 910, C replaced by T.
Protein change: p.Gln304Ter; replaces glutamine 304 with a stop codon.
Molecular consequence: nonsense.
Genome position (GRCh38, 1-based): chr3:48,592,636, G>A on the plus strand (C>T on the coding strand, the complement: COL7A1 is on the minus strand). VCF-style: chr3-48592636-G-A. GRCh37 (hg19) VCF-style: chr3-48630069-G-A.
Other names: short protein forms Q304*.
Identifiers: ClinVar variation 4817413 (VCV004817413.1).

ClinVar aggregate classification (germline): Likely pathogenic (1 of 4 stars; one submission).

Conditions:
Epidermolysis bullosa dystrophica. Also called: Dystrophic epidermolysis bullosa, Hallopeau-Siemens type (formerly); Dystrophic epidermolysis bullosa. Identifiers: Orphanet 303, MedGen C0079294, MONDO:0006543.

Submission:

Natera, Inc.
Classification: Likely pathogenic for Dystrophic epidermolysis bullosa. Last evaluated: 2024-05-13. Review status: criteria provided, single submitter. Criteria: Natera Variant Classification Schema (03/2026). Collection method: clinical testing. Allele origin: germline.
Comment: The c.910C>T variant in COL7A1 is a nonsense variant predicted to introduce a stop codon at amino acid 304. This variant is expected to result in nonsense mediated decay, truncation, or a dysfunctional protein product. This variant is rare in the general population with a frequency below the threshold expected for the associated phenotype(s). Given the available evidence, this variant is classified as Likely Pathogenic.